The following is an entry in ClinVar:

NM_002049.4(GATA1):c.211C>T (p.His71Tyr)

Gene: GATA1 (GATA binding protein 1; plus strand). Cytogenetic location: Xp11.23.
Variant type: single nucleotide variant.
Coding change: c.211C>T on transcript NM_002049.4 (MANE Select); coding-DNA position 211, C replaced by T.
Protein change: p.His71Tyr; replaces histidine 71 with tyrosine.
Molecular consequence: missense variant.
Genome position (GRCh38, 1-based): chrX:48,791,320, C>T. VCF-style: chrX-48791320-C-T. GRCh37 (hg19) VCF-style: chrX-48649727-C-T.
Other names: short protein forms H71Y.
Identifiers: ClinVar variation 1406131 (VCV001406131.6), dbSNP rs2147305769, ClinGen allele CA412867290.

ClinVar aggregate classification (germline): Uncertain significance (1 of 4 stars; one submission).

Conditions:
Diamond-Blackfan anemia. Also called: Blackfan Diamond syndrome; Aregenerative anemia chronic congenital; Red cell aplasia, pure hereditary; Congenital hypoplastic anemia; Aase syndrome. Identifiers: Orphanet 124, MedGen C1260899, MeSH D029503, MONDO:0015253, HP:0004810.
GATA binding protein 1 related thrombocytopenia with dyserythropoiesis. Also called: GATA1-Related Cytopenia; GATA1-Related X-Linked Cytopenia. Identifiers: MedGen C1845837, MONDO:0100089.

Submission:

Labcorp Genetics (formerly Invitae), Labcorp
Classification: Uncertain significance for GATA binding protein 1 related thrombocytopenia with dyserythropoiesis; Diamond-Blackfan anemia. Last evaluated: 2022-08-28. Review status: criteria provided, single submitter. Criteria: Invitae Variant Classification Sherloc (09022015). Collection method: clinical testing. Allele origin: germline.
Comment: In summary, the available evidence is currently insufficient to determine the role of this variant in disease. Therefore, it has been classified as a Variant of Uncertain Significance. Algorithms developed to predict the effect of missense changes on protein structure and function are either unavailable or do not agree on the potential impact of this missense change (SIFT: "Tolerated"; PolyPhen-2: "Possibly Damaging"; Align-GVGD: "Class C0"). ClinVar contains an entry for this variant (Variation ID: 1406131). This variant has not been reported in the literature in individuals affected with GATA1-related conditions. This variant is not present in population databases (gnomAD no frequency). This sequence change replaces histidine, which is basic and polar, with tyrosine, which is neutral and polar, at codon 71 of the GATA1 protein (p.His71Tyr).